The following is an entry in ClinVar:

ClinVar aggregate classification (germline): Benign/Likely benign. Review status: criteria provided, multiple submitters, no conflicts (2 of 4 stars). 3 submissions from 3 submitters: Benign (1); Likely benign (2). Last evaluated 2025-01-09.

Conditions:
Hereditary cancer-predisposing syndrome. Also called: Hereditary Cancer Syndrome; Neoplastic Syndromes, Hereditary; Tumor predisposition; Hereditary neoplastic syndrome. Identifiers: Orphanet 140162, MedGen C0027672, MeSH D009386, MONDO:0015356.
Familial cancer of breast. Also called: BREAST CANCER, FAMILIAL; Hereditary breast cancer; hereditary breast carcinoma. Identifiers: Orphanet 227535, MedGen C0346153, MONDO:0016419, OMIM 114480. Disease mechanism: loss of function.

Submissions (3):

Myriad Genetics, Inc.
Classification: Benign for Familial cancer of breast. Last evaluated: 2025-01-09. Review status: criteria provided, single submitter. Criteria: Myriad Autosomal Dominant, Autosomal Recessive and X-Linked Classification Criteria (2023). Collection method: clinical testing. Allele origin: unknown.
Comment: This variant is considered benign. This variant is a silent/synonymous amino acid change and it is not expected to impact splicing.

Labcorp Genetics (formerly Invitae), Labcorp
Classification: Likely benign for Familial cancer of breast. Last evaluated: 2023-08-24. Review status: criteria provided, single submitter. Criteria: Invitae Variant Classification Sherloc (09022015). Collection method: clinical testing. Allele origin: germline.

Ambry Genetics
Classification: Likely benign for Hereditary cancer-predisposing syndrome. Last evaluated: 2021-06-18. Review status: criteria provided, single submitter. Criteria: Ambry Variant Classification Scheme 2023. Collection method: clinical testing. Allele origin: germline.

NM_024675.4(PALB2):c.51A>G (p.Leu17=)

Gene: PALB2 (partner and localizer of BRCA2; minus strand). Cytogenetic location: 16p12.2.
Variant type: single nucleotide variant.
Coding change: c.51A>G on transcript NM_024675.4 (MANE Select); coding-DNA position 51, A replaced by G.
Protein change: p.Leu17=; no amino-acid change (leucine 17 retained).
Molecular consequence: synonymous variant. On other transcripts: 5 prime UTR variant (8), intron variant (4).
Genome position (GRCh38, 1-based): chr16:23,638,127, T>C on the plus strand (A>G on the coding strand, the complement: PALB2 is on the minus strand). VCF-style: chr16-23638127-T-C. GRCh37 (hg19) VCF-style: chr16-23649448-T-C.
Other names: c.51A>G, p.Leu17= (NM_001407297.1, NM_001407298.1, NM_001407299.1 and 3 more transcripts); c.-835A>G (NM_001407304.1, NM_001407305.1, NM_001407306.1 and 5 more transcripts); c.48+2983A>G (NM_001407314.1); c.-105+2983A>G (NM_001407313.1, NM_001407312.1); c.49-175A>G (NM_001407296.1).
Identifiers: ClinVar variation 1746006 (VCV001746006.6), dbSNP rs2142461231, ClinGen allele CA494168114.